The following is an entry in ClinVar:

NM_004104.5(FASN):c.4196C>T (p.Thr1399Met)

Gene: FASN (fatty acid synthase; minus strand). Cytogenetic location: 17q25.3.
Variant type: single nucleotide variant.
Coding change: c.4196C>T on transcript NM_004104.5 (MANE Select); coding-DNA position 4196, C replaced by T.
Protein change: p.Thr1399Met; replaces threonine 1399 with methionine.
Molecular consequence: missense variant.
Genome position (GRCh38, 1-based): chr17:82,085,329, G>A on the plus strand (C>T on the coding strand, the complement: FASN is on the minus strand). VCF-style: chr17-82085329-G-A. GRCh37 (hg19) VCF-style: chr17-80043205-G-A.
Other names: short protein forms T1399M.
Identifiers: ClinVar variation 641931 (VCV000641931.1), dbSNP rs1382206898, ClinGen allele CA401548565.

ClinVar aggregate classification (germline): Uncertain significance (1 of 4 stars; one submission).

Conditions:
Epileptic encephalopathy. Identifiers: MedGen C0543888, HP:0200134.

Allele frequency attached by ClinVar (database versions not stated): gnomAD exomes below 0.00001 and 0.00001; TOPMed below 0.00001; gnomAD 0.00001.

Submission:

Labcorp Genetics (formerly Invitae), Labcorp
Classification: Uncertain significance for Epileptic encephalopathy. Last evaluated: 2018-11-20. Review status: criteria provided, single submitter. Criteria: Invitae Variant Classification Sherloc (09022015). Collection method: clinical testing. Allele origin: germline.
Comment: This sequence change replaces threonine with methionine at codon 1399 of the FASN protein (p.Thr1399Met). The threonine residue is weakly conserved and there is a moderate physicochemical difference between threonine and methionine. This variant is not present in population databases (ExAC no frequency). This variant has not been reported in the literature in individuals with FASN-related disease. Algorithms developed to predict the effect of missense changes on protein structure and function are either unavailable or do not agree on the potential impact of this missense change (SIFT: "Tolerated"; PolyPhen-2: "Possibly Damaging"; Align-GVGD: "Class C0"). In summary, the available evidence is currently insufficient to determine the role of this variant in disease. Therefore, it has been classified as a Variant of Uncertain Significance.